The following is an entry in ClinVar:

NM_000104.4(CYP1B1):c.167C>T (p.Ala56Val)

Gene: CYP1B1 (cytochrome P450 family 1 subfamily B member 1; minus strand). Cytogenetic location: 2p22.2.
Variant type: single nucleotide variant.
Coding change: c.167C>T on transcript NM_000104.4 (MANE Select); coding-DNA position 167, C replaced by T.
Protein change: p.Ala56Val; replaces alanine 56 with valine.
Molecular consequence: missense variant.
Genome position (GRCh38, 1-based): chr2:38,075,222, G>A on the plus strand (C>T on the coding strand, the complement: CYP1B1 is on the minus strand). VCF-style: chr2-38075222-G-A. GRCh37 (hg19) VCF-style: chr2-38302365-G-A.
Other names: NM_000104.4:c.167C>T; short protein forms A56V.
Identifiers: ClinVar variation 5018484 (VCV005018484.1).

ClinVar aggregate classification (germline): Uncertain significance (3 of 4 stars; one submission).

Conditions:
CYP1B1-related glaucoma with or without anterior segment dysgenesis. Identifiers: MedGen CN375931, MONDO:0800472.

gnomAD v4.1: 7 of 1,583,474 alleles (0.00044%); highest among the groups gnomAD compares: South Asian, 0.0068%; no homozygotes.

Submission:

ClinGen Glaucoma Variant Curation Expert Panel
Classification: Uncertain significance for CYP1B1-related glaucoma with or without anterior segment dysgenesis. Last evaluated: 2026-10-12. Review status: reviewed by expert panel. Criteria: ClinGen Glaucoma ACMG Specifications CYP1B1 V2.0. Collection method: curation. Allele origin: germline. Inheritance: Autosomal recessive inheritance.
Comment: The c.167C>T variant in CYP1B1 is a missense variant predicted to cause substitution of Alanine by Valine at amino acid 56 (p.Ala56Val). This missense variant is located in the hinge region, meeting PM1. The highest minor allele frequency of this variant was in the South Asian genetic ancestry group of gnomAD (v4.1) = 0.00006755 (6 alleles out of 88,818), which met the ≤ 0.0005 threshold set for PM2_Supporting in a genetic ancestry group of at least 2,000 alleles. The REVEL score = 0.188, which is within the 0.184-0.290 range for BP4 and this variant was not predicted to affect splicing, as assessed with SpliceAI (≤ 0.1), suggesting that the variant does not impact CYP1B1 function. There was no functional evidence predicting a damaging or benign impact of this variant on CYP1B1 function. This variant has been identified in individuals with a CYP1B1-related phenotype, however BP4 is met, therefore PM3 was not assessed. In summary, this variant met the criteria to receive a score of 2 and to be classified as a variant of uncertain significance (uncertain significance classification range -1 to 5, adapted from PMID: 32720330) for CYP1B1-related glaucoma with or without anterior segment dysgenesis (ASD) based on the ACMG/AMP criteria met, as specified by the ClinGen Glaucoma VCEP (v2.0, 16.07.2026): PM1, PM2_Supporting, BP4.